The following is an entry in ClinVar:

ClinVar aggregate classification (germline): Uncertain significance (1 of 4 stars; one submission).

Submission:

Labcorp Genetics (formerly Invitae), Labcorp
Classification: Uncertain significance. Last evaluated: 2025-02-14. Review status: criteria provided, single submitter. Criteria: Invitae Variant Classification Sherloc (09022015). Collection method: clinical testing. Allele origin: germline.
Comment: This sequence change replaces glutamic acid, which is acidic and polar, with glutamine, which is neutral and polar, at codon 134 of the VAV1 protein (p.Glu134Gln). This variant is not present in population databases (gnomAD no frequency). This variant has not been reported in the literature in individuals affected with VAV1-related conditions. An algorithm developed to predict the effect of missense changes on protein structure and function (PolyPhen-2) suggests that this variant is likely to be tolerated. In summary, the available evidence is currently insufficient to determine the role of this variant in disease. Therefore, it has been classified as a Variant of Uncertain Significance.

NM_005428.4(VAV1):c.400G>C (p.Glu134Gln)

Gene: VAV1 (vav guanine nucleotide exchange factor 1; plus strand). Cytogenetic location: 19p13.3.
Variant type: single nucleotide variant.
Coding change: c.400G>C on transcript NM_005428.4 (MANE Select); coding-DNA position 400, G replaced by C.
Protein change: p.Glu134Gln; replaces glutamic acid 134 with glutamine.
Molecular consequence: missense variant.
Genome position (GRCh38, 1-based): chr19:6,821,810, G>C. VCF-style: chr19-6821810-G-C. GRCh37 (hg19) VCF-style: chr19-6821821-G-C.
Other names: c.400G>C, p.Glu134Gln (NM_001258206.2, NM_001258207.2); short protein forms E134Q.
Identifiers: ClinVar variation 4811923 (VCV004811923.1).